The following is an entry in ClinVar:

NM_182493.3(MYLK3):c.224C>A (p.Pro75Gln)

Gene: MYLK3 (myosin light chain kinase 3; minus strand). Cytogenetic location: 16q11.2.
Variant type: single nucleotide variant.
Coding change: c.224C>A on transcript NM_182493.3 (MANE Select); coding-DNA position 224, C replaced by A.
Protein change: p.Pro75Gln; replaces proline 75 with glutamine.
Molecular consequence: missense variant. On other transcripts: intron variant (1).
Genome position (GRCh38, 1-based): chr16:46,747,970, G>T on the plus strand (C>A on the coding strand, the complement: MYLK3 is on the minus strand). VCF-style: chr16-46747970-G-T. GRCh37 (hg19) VCF-style: chr16-46781882-G-T.
Other names: c.-113-7823C>A (NM_001308301.1); short protein forms P75Q.
Identifiers: ClinVar variation 4701438 (VCV004701438.1).

ClinVar aggregate classification (germline): Uncertain significance (1 of 4 stars; one submission).

Submission:

Labcorp Genetics (formerly Invitae), Labcorp
Classification: Uncertain significance. Last evaluated: 2025-05-04. Review status: criteria provided, single submitter. Criteria: Invitae Variant Classification Sherloc (09022015). Collection method: clinical testing. Allele origin: germline.
Comment: This sequence change replaces proline, which is neutral and non-polar, with glutamine, which is neutral and polar, at codon 75 of the MYLK3 protein (p.Pro75Gln). This variant is not present in population databases (gnomAD no frequency). This variant has not been reported in the literature in individuals affected with MYLK3-related conditions. An algorithm developed to predict the effect of missense changes on protein structure and function (PolyPhen-2) suggests that this variant is likely to be tolerated. In summary, the available evidence is currently insufficient to determine the role of this variant in disease. Therefore, it has been classified as a Variant of Uncertain Significance.